The following is an entry in ClinVar:

NM_001267550.2(TTN):c.92683C>T (p.Arg30895Ter)

Genes: TTN-AS1 (TTN antisense RNA 1; plus strand), TTN (titin; minus strand). Cytogenetic location: 2q31.2.
Variant type: single nucleotide variant.
Coding change: c.92683C>T on transcript NM_001267550.2 (MANE Select); coding-DNA position 92683, C replaced by T.
Protein change: p.Arg30895Ter; replaces arginine 30895 with a stop codon.
Molecular consequence: nonsense.
Genome position (GRCh38, 1-based): chr2:178,548,943, G>A on the plus strand (C>T on the coding strand, the complement: TTN is on the minus strand). VCF-style: chr2-178548943-G-A. GRCh37 (hg19) VCF-style: chr2-179413670-G-A.
Other names: c.87760C>T, p.Arg29254Ter (NM_001256850.1); c.65488C>T, p.Arg21830Ter (NM_003319.4); c.84979C>T, p.Arg28327Ter (NM_133378.4); c.65863C>T, p.Arg21955Ter (NM_133432.3); c.66064C>T, p.Arg22022Ter (NM_133437.4); c.92683C>T (NM_001267550.1, LRG_391t1); short protein forms R30895*, R21955*, R22022*, R21830*, R28327*, R29254*.
Identifiers: ClinVar variation 223300 (VCV000223300.16), dbSNP rs869312065, ClinGen allele CA353320.

ClinVar aggregate classification (germline): Pathogenic/Likely pathogenic. Review status: criteria provided, multiple submitters, no conflicts (2 of 4 stars). 9 submissions from 9 submitters: Pathogenic (1); Likely pathogenic (5). 3 of the submissions do not count toward it. Last evaluated 2026-03-25.

Conditions:
Dilated cardiomyopathy 1G (CMD1G). Identifiers: Orphanet 154, MedGen C1858763, MONDO:0011400, OMIM 604145.
Autosomal recessive limb-girdle muscular dystrophy type 2J (LGMDR10). Also called: MUSCULAR DYSTROPHY, LIMB-GIRDLE, AUTOSOMAL RECESSIVE 10; Limb-girdle muscular dystrophy, type 2J. Identifiers: Orphanet 140922, MedGen C1837342, MONDO:0012127, OMIM 608807.
Cardiovascular phenotype. Identifiers: MedGen CN230736.
Primary dilated cardiomyopathy (DCM). Also called: Dilated Cardiomyopathy. Identifiers: Orphanet 217604, MedGen C0007193, MeSH D002311, MONDO:0005021, HP:0001644. Inheritance: Various modes of inheritance.
Wolff-Parkinson-White pattern. Also called: WPW SYNDROME; Auriculoventricular accessory pathway syndrome; False bundle branch block syndrome; Anomalous ventricular excitation syndrome. Identifiers: MedGen C0043202, MONDO:0008685, OMIM 194200, HP:0001716.

Allele frequency attached by ClinVar (database versions not stated): gnomAD exomes below 0.00001.
gnomAD v4.1: 2 of 1,613,868 alleles (0.00012%); highest among the groups gnomAD compares: Non-Finnish European, 0.00017%; no homozygotes.

Submissions (9):

GeneDx
Classification: Likely pathogenic. Last evaluated: 2026-03-25. Review status: criteria provided, single submitter. Criteria: GeneDx Variant Classification Process June 2021. Collection method: clinical testing. Allele origin: germline.
Comment: Nonsense variant predicted to result in protein truncation or nonsense mediated decay in a gene for which loss of function is a known mechanism of disease; Not observed at significant frequency in large population cohorts (gnomAD); This variant is associated with the following publications: (PMID: 22335739, 32778822, 25589632, 32233023, 31983221, 37652022, 34011823, 39844436)

Labcorp Genetics (formerly Invitae), Labcorp
Classification: Likely pathogenic for Dilated cardiomyopathy 1G; Autosomal recessive limb-girdle muscular dystrophy type 2J. Last evaluated: 2025-07-24. Review status: criteria provided, single submitter. Criteria: Invitae Variant Classification Sherloc (09022015). Collection method: clinical testing. Allele origin: germline.
Comment: This sequence change creates a premature translational stop signal (p.Arg30895*) in the TTN gene. While this is not anticipated to result in nonsense mediated decay, it is expected to create a truncated TTN protein. This variant is not present in population databases (gnomAD no frequency). This premature translational stop signal has been observed in individual(s) with dilated cardiomyopathy or Wolff–Parkinson–White syndrome (PMID: 25589632, 31983221, 32233023, 34011823, 37652022; internal data). This variant is also known as p.Arg21955*. ClinVar contains an entry for this variant (Variation ID: 223300). This variant is located in the A band of TTN (PMID: 25589632). Truncating variants in this region are significantly overrepresented in patients affected with dilated cardiomyopathy (PMID: 25589632). Truncating variants in this region have also been reported in individuals affected with autosomal recessive centronuclear myopathy (PMID: 23975875). In summary, the currently available evidence indicates that the variant is pathogenic, but additional data are needed to prove that conclusively. Therefore, this variant has been classified as Likely Pathogenic.

Ambry Genetics
Classification: Likely pathogenic for Cardiovascular phenotype. Last evaluated: 2024-05-13. Review status: criteria provided, single submitter. Criteria: Ambry Variant Classification Scheme 2023. Collection method: clinical testing. Allele origin: germline.
Comment: The p.R21830* variant (also known as c.65488C>T), located in coding exon 166 of the TTN gene, results from a C to T substitution at nucleotide position 65488. This changes the amino acid from an arginine to a stop codon within coding exon 166. This exon is located in the A-band region of the N2-B isoform of the titin protein and is constitutively expressed in TTN transcripts (percent spliced in or PSI 100%). This variant, noted as c.92683C>T or c.65863C>T has been reported in association with dilated cardiomyopathy (DCM) and Wolff-Parkinson-White syndrome (Roberts AM et al. Sci Transl Med, 2015 Jan;7:270ra6; Coban-Akdemir ZH et al. Am J Med Genet A, 2020 Jun;182:1387-1399). This alteration is expected to result in loss of function by premature protein truncation or nonsense-mediated mRNA decay. While truncating variants in TTN are present in 1-3% of the general population, truncating variants in the A-band are the most common cause of dilated cardiomyopathy (DCM) (Herman DS et al. N. Engl. J. Med., 2012 Feb;366:619-28; Roberts AM et al. Sci Transl Med, 2015 Jan;7:270ra6). TTN truncating variants encoded in constitutive exons (PSI >90%) have been found to be significantly associated with DCM regardless of their position in titin (Schafer S et al. Nat. Genet., 2017 01;49:46-53). This variant is considered to be rare based on population cohorts in the Genome Aggregation Database (gnomAD). Based on the majority of available evidence to date, this variant is likely to be pathogenic.

Victorian Clinical Genetics Services, Murdoch Childrens Research Institute
Classification: Pathogenic for Dilated cardiomyopathy 1G. Last evaluated: 2023-07-17. Review status: criteria provided, single submitter. Criteria: ACMG Guidelines, 2015. Collection method: clinical testing. Allele origin: germline. Inheritance: Autosomal dominant inheritance. Affected: yes.
Comment: Based on the classification scheme VCGS_Germline_v1.3.4, this variant is classified as Pathogenic. Following criteria are met: 0102 - Loss of function is known mechanism of disease in this gene. In addition, dominant-negative is also a suggested mechanism. (PMID: 25589632). (I) 0108 - This gene is associated with both recessive and dominant disease (OMIM). (I) 0112 - The condition associated with this gene has incomplete penetrance. Variants in this gene that result in a premature termination codon are known to have reduced penetrance in DCM (PMID: 25589632). (I) 0201 - Variant is predicted to cause nonsense-mediated decay (NMD) and loss of protein (premature termination codon is located at least 54 nucleotides upstream of the final exon-exon junction). (SP) 0251 - This variant is heterozygous. (I) 0304 - Variant is present in gnomAD <0.01 (v2: 1 heterozygote, 0 homozygotes). (SP) 0600 - Variant is located in the A-band and the exon has a PSI score of 100 (PMID: 25589632). (I) 0703 - Other NMD-predicted variants comparable to the one identified in this case have moderate previous evidence for pathogenicity (ClinVar). (SP) 0802 - This variant has moderate previous evidence of pathogenicity in unrelated individuals. It has been reported in five unrelated individuals with DCM, including one who also has variants of uncertain significance in other cardiac genes (ClinVar, personal communication; PMIDs: 25589632, 31983221, 34011823). It has also been reported in an individual with sudden cardiac arrest in ventricular fibrillation and an individual with Wolff-Parkinson-White syndrome (ClinVar, personal communication; PMID: 32233023). (SP) 0905 - No published segregation evidence has been identified for this variant. (I) 1007 - No published functional evidence has been identified for this variant. (I) 1208 - Inheritance information for this variant is not currently available in this individual. (I) Legend: (SP) - Supporting pathogenic, (I) - Information, (SB) - Supporting benign

Laboratory for Molecular Medicine, Mass General Brigham Personalized Medicine
Classification: Likely pathogenic for Primary dilated cardiomyopathy. Last evaluated: 2018-07-25. Review status: criteria provided, single submitter. Criteria: ACMG Guidelines, 2015. Collection method: clinical testing. Allele origin: germline. Inheritance: Autosomal dominant inheritance.
Comment: The p.Arg28327X variant in TTN has been reported in 1 individual with dilated cardiomyopathy (Roberts 2015) and 1 individual with Wolff-Parkinson-White syndrome (ClinVar ID# 223300), and was absent from large population studies. This nonsense variant leads to a premature termination codon at position 28327, which is predicted to lead to a truncated or absent protein. Nonsense and other truncating variants in TTN are strongly associated with DCM if they impact the exons encoding for the A-band (Herman 2012, Pugh 2014) and/or are located in an exon that is highly expressed in the heart (Roberts 2015). This variant is located in A-band in the highly expressed exon 288. In summary, although additional studies are required to fully establish its clinical significance, the p.Arg28327X variant is likely pathogenic. ACMG/AMP Criteria applied: PVS1, PM2.

Cardiovascular Biomedical Research Unit, Royal Brompton & Harefield NHS Foundation Trust
Classification: Likely pathogenic for Primary dilated cardiomyopathy. Last evaluated: 2014-10-08. Review status: criteria provided, single submitter. Criteria: Roberts et al. 2015. Collection method: research. Allele origin: germline. Inheritance: Autosomal dominant inheritance. Affected: yes. Observed: 1 variant allele. Study: Unselected DCM.
Comment: In the seven cohorts assessed, TTNtv were found in 14% of ambulant DCM, 22% end-stage or familial DCM, and 2% controls. Heterozygous nonsense, frameshift and canonical splice-disrupting variants found in constitutive and other highly utilised exons are highly likely to be pathogenic when identified in individuals with phenotypically confirmed DCM. TTNtv found incidentally in healthy individuals (excluding familial assessment of DCM relatives) are thought to have low penetrance, particularly when identified in exons that are not constitutively expressed in the heart.

Cardiogenetics and Myogenetics Molecular and Cellular Functional Unit, Aphp Sorbonne University-Hopital Pitie Salpetriere
Classification: Likely pathogenic for Dilated cardiomyopathy 1G. Last evaluated: 2024-01-06. Review status: no assertion criteria provided. Collection method: clinical testing. Allele origin: germline. Affected: yes. Not counted in ClinVar's aggregate classification.

Lupski Lab, Baylor-Hopkins CMG, Baylor College of Medicine
Classification: Likely pathogenic for Wolff-Parkinson-White pattern. Last evaluated: 2017-07-14. Review status: no assertion criteria provided. Collection method: research. Allele origin: unknown. Affected: yes. Observed: 1 variant allele. Study: Candidate_variants_in_patients_with_ Wolff-Parkinson-White Syndrome. Not counted in ClinVar's aggregate classification.

KTest Genetics, KTest
Classification: Pathogenic for Dilated cardiomyopathy 1G. Review status: no assertion criteria provided. Criteria: ACMG Guidelines, 2015. Collection method: clinical testing. Allele origin: germline. Affected: yes. Not counted in ClinVar's aggregate classification.

Literature cited by the submitters: PubMed 25589632 (cited by 4 submitters); PubMed 31983221 (cited by Labcorp Genetics (formerly Invitae), Labcorp and Victorian Clinical Genetics Services, Murdoch Childrens Research Institute); PubMed 32233023 (cited by 3 submitters); PubMed 34011823 (cited by Labcorp Genetics (formerly Invitae), Labcorp and Victorian Clinical Genetics Services, Murdoch Childrens Research Institute); PubMed 37652022 (cited by Labcorp Genetics (formerly Invitae), Labcorp); PubMed 23975875 (cited by Labcorp Genetics (formerly Invitae), Labcorp).